The following is an entry in ClinVar:

NM_000095.3(COMP):c.528G>T (p.Gln176His)

Gene: COMP (cartilage oligomeric matrix protein; minus strand). Cytogenetic location: 19p13.11.
Variant type: single nucleotide variant.
Coding change: c.528G>T on transcript NM_000095.3 (MANE Select); coding-DNA position 528, G replaced by T.
Protein change: p.Gln176His; replaces glutamine 176 with histidine.
Molecular consequence: missense variant.
Genome position (GRCh38, 1-based): chr19:18,789,160, C>A on the plus strand (G>T on the coding strand, the complement: COMP is on the minus strand). VCF-style: chr19-18789160-C-A. GRCh37 (hg19) VCF-style: chr19-18899969-C-A.
Other names: short protein forms Q176H.
Identifiers: ClinVar variation 1933429 (VCV001933429.5), dbSNP rs766506948, ClinGen allele CA9316708.

ClinVar aggregate classification (germline): Uncertain significance (1 of 4 stars; one submission).

Allele frequency attached by ClinVar (database versions not stated): gnomAD exomes 0.00001; TOPMed 0.00002; ExAC 0.00005.

Submission:

Labcorp Genetics (formerly Invitae), Labcorp
Classification: Uncertain significance. Last evaluated: 2022-02-20. Review status: criteria provided, single submitter. Criteria: Invitae Variant Classification Sherloc (09022015). Collection method: clinical testing. Allele origin: germline.
Comment: In summary, the available evidence is currently insufficient to determine the role of this variant in disease. Therefore, it has been classified as a Variant of Uncertain Significance. Variants that disrupt the consensus splice site are a relatively common cause of aberrant splicing (PMID: 17576681, 9536098). Algorithms developed to predict the effect of sequence changes on RNA splicing suggest that this variant may disrupt the consensus splice site. Algorithms developed to predict the effect of missense changes on protein structure and function are either unavailable or do not agree on the potential impact of this missense change (SIFT: "Deleterious"; PolyPhen-2: "Probably Damaging"; Align-GVGD: "Class C15"). This variant has not been reported in the literature in individuals affected with COMP-related conditions. The frequency data for this variant in the population databases is considered unreliable, as metrics indicate poor data quality at this position in the gnomAD database. This sequence change replaces glutamine, which is neutral and polar, with histidine, which is basic and polar, at codon 176 of the COMP protein (p.Gln176His). This variant also falls at the last nucleotide of exon 5, which is part of the consensus splice site for this exon.

Literature cited by the submitters: PubMed 17576681; PubMed 9536098.